The following is an entry in ClinVar:

NM_025114.4(CEP290):c.6645A>G (p.Lys2215=)

Gene: CEP290 (centrosomal protein 290; minus strand). Cytogenetic location: 12q21.32.
Variant type: single nucleotide variant.
Coding change: c.6645A>G on transcript NM_025114.4 (MANE Select); coding-DNA position 6645, A replaced by G.
Protein change: p.Lys2215=; no amino-acid change (lysine 2215 retained).
Molecular consequence: synonymous variant.
Genome position (GRCh38, 1-based): chr12:88,059,898, T>C on the plus strand (A>G on the coding strand, the complement: CEP290 is on the minus strand). VCF-style: chr12-88059898-T-C. GRCh37 (hg19) VCF-style: chr12-88453675-T-C.
Identifiers: ClinVar variation 3353679 (VCV003353679.2).

ClinVar aggregate classification (germline): Uncertain significance. Review status: criteria provided, single submitter (1 of 4 stars). 2 submissions from 2 submitters: Uncertain significance (1). 1 of the submissions does not count toward it. Last evaluated 2025-09-08.

Conditions:
CEP290-related disorder. Also called: CEP290-related condition; CEP290-related disorders. Identifiers: MedGen CN239314.
Inborn genetic diseases. Identifiers: MedGen C0950123, MeSH D030342.

gnomAD v4.1: 4 of 1,576,434 alleles (0.00025%); highest among the groups gnomAD compares: Non-Finnish European, 0.00017%; no homozygotes.

Submissions (2):

Ambry Genetics
Classification: Uncertain significance for Inborn genetic diseases. Last evaluated: 2025-09-08. Review status: criteria provided, single submitter. Criteria: Ambry Variant Classification Scheme 2023. Collection method: clinical testing. Allele origin: germline.
Comment: The c.6645A>G (p.K2215K) alteration is located in exon 48 (coding exon 47) of the CEP290 gene. This alteration consists of a A to G substitution at nucleotide position 6645. This nucleotide substitution does not change the amino acid at codon 2215. However, this change occurs in the last nucleotide of coding exon 47, which makes it likely to have some effect on normal mRNA splicing. Based on data from gnomAD, this allele has an overall frequency of <0.001% (1/205804) total alleles studied. The highest observed frequency was 0.001% (1/95524) of European (non-Finnish) alleles. This nucleotide position is well conserved in available vertebrate species. In silico splice site analysis predicts that this alteration will not have any significant effect on splicing. Based on insufficient or conflicting evidence, the clinical significance of this alteration remains unclear.

PreventionGenetics, part of Exact Sciences
Classification: Likely benign for CEP290-related condition. Last evaluated: 2023-09-13. Review status: no assertion criteria provided. Collection method: clinical testing. Allele origin: germline. Not counted in ClinVar's aggregate classification.
Comment: This variant is classified as likely benign based on ACMG/AMP sequence variant interpretation guidelines (Richards et al. 2015 PMID: 25741868, with internal and published modifications).